The following is an entry in ClinVar:

NM_000834.5(GRIN2B):c.4205A>C (p.Lys1402Thr)

Gene: GRIN2B (glutamate ionotropic receptor NMDA type subunit 2B; minus strand). Cytogenetic location: 12p13.1.
Variant type: single nucleotide variant.
Coding change: c.4205A>C on transcript NM_000834.5 (MANE Select); coding-DNA position 4205, A replaced by C.
Protein change: p.Lys1402Thr; replaces lysine 1402 with threonine.
Molecular consequence: missense variant.
Genome position (GRCh38, 1-based): chr12:13,563,033, T>G on the plus strand (A>C on the coding strand, the complement: GRIN2B is on the minus strand). VCF-style: chr12-13563033-T-G. GRCh37 (hg19) VCF-style: chr12-13715967-T-G.
Other names: short protein forms K1402T.
Identifiers: ClinVar variation 1715984 (VCV001715984.6), dbSNP rs1349506481, ClinGen allele CA383986060.

ClinVar aggregate classification (germline): Uncertain significance (1 of 4 stars; one submission).

Conditions:
Intellectual developmental disorder, autosomal dominant 6, with or without seizures. Also called: GRIN2B-related developmental delay, intellectual disability and autism spectrum disorder; Intellectual disability, autosomal dominant 6. Identifiers: Orphanet 589547, MedGen C3151411, MONDO:0013509, OMIM 613970.
Developmental and epileptic encephalopathy, 27 (DEE27). Also called: GRIN2B-Related Neurodevelopmental Disorder; Epileptic encephalopathy, early infantile, 27. Identifiers: Orphanet 3451, MedGen C4015316, MONDO:0014505, OMIM 616139.

Submission:

Labcorp Genetics (formerly Invitae), Labcorp
Classification: Uncertain significance for Developmental and epileptic encephalopathy, 27; Intellectual developmental disorder, autosomal dominant 6, with or without seizures. Last evaluated: 2024-12-03. Review status: criteria provided, single submitter. Criteria: Invitae Variant Classification Sherloc (09022015). Collection method: clinical testing. Allele origin: germline.
Comment: This sequence change replaces lysine, which is basic and polar, with threonine, which is neutral and polar, at codon 1402 of the GRIN2B protein (p.Lys1402Thr). This variant is not present in population databases (gnomAD no frequency). This variant has not been reported in the literature in individuals affected with GRIN2B-related conditions. ClinVar contains an entry for this variant (Variation ID: 1715984). Invitae Evidence Modeling of protein sequence and biophysical properties (such as structural, functional, and spatial information, amino acid conservation, physicochemical variation, residue mobility, and thermodynamic stability) indicates that this missense variant is not expected to disrupt GRIN2B protein function with a negative predictive value of 95%. In summary, the available evidence is currently insufficient to determine the role of this variant in disease. Therefore, it has been classified as a Variant of Uncertain Significance.